The following is an entry in ClinVar:

ClinVar aggregate classification (germline): Conflicting classifications of pathogenicity. Review status: criteria provided, conflicting classifications (1 of 4 stars). 2 submissions from 2 submitters: Uncertain significance (1); Likely benign (1). Last evaluated 2025-05-30.

Conditions:
Hereditary cancer-predisposing syndrome. Also called: Neoplastic Syndromes, Hereditary; Hereditary neoplastic syndrome; Tumor predisposition; Hereditary Cancer Syndrome. Identifiers: Orphanet 140162, MedGen C0027672, MeSH D009386, MONDO:0015356.
Fanconi anemia complementation group O. Also called: RAD51C-Related Fanconi Anemia. Identifiers: Orphanet 84, MedGen C3150653, MONDO:0013248, OMIM 613390.

Allele frequency attached by ClinVar (database versions not stated): gnomAD exomes below 0.00001; TOPMed below 0.00001.
gnomAD v4.1: 1 of 1,614,044 alleles (0.000062%); highest among the groups gnomAD compares: Non-Finnish European, 0.000085%; no homozygotes.

Submissions (2):

Ambry Genetics
Classification: Likely benign for Hereditary cancer-predisposing syndrome. Last evaluated: 2025-05-30. Review status: criteria provided, single submitter. Criteria: Ambry Variant Classification Scheme 2023. Collection method: clinical testing. Allele origin: germline.

Labcorp Genetics (formerly Invitae), Labcorp
Classification: Uncertain significance for Fanconi anemia complementation group O. Last evaluated: 2024-12-26. Review status: criteria provided, single submitter. Criteria: Invitae Variant Classification Sherloc (09022015). Collection method: clinical testing. Allele origin: germline.
Comment: This sequence change replaces histidine, which is basic and polar, with glutamine, which is neutral and polar, at codon 187 of the RAD51C protein (p.His187Gln). This variant is not present in population databases (gnomAD no frequency). This variant has not been reported in the literature in individuals affected with RAD51C-related conditions. ClinVar contains an entry for this variant (Variation ID: 841430). An algorithm developed to predict the effect of missense changes on protein structure and function outputs the following: PolyPhen-2: "Benign". The glutamine amino acid residue is found in multiple mammalian species, which suggests that this missense change does not adversely affect protein function. In summary, the available evidence is currently insufficient to determine the role of this variant in disease. Therefore, it has been classified as a Variant of Uncertain Significance.

NM_058216.3(RAD51C):c.561C>A (p.His187Gln)

Gene: RAD51C (RAD51 paralog C; plus strand). Cytogenetic location: 17q22.
Variant type: single nucleotide variant.
Coding change: c.561C>A on transcript NM_058216.3 (MANE Select); coding-DNA position 561, C replaced by A.
Protein change: p.His187Gln; replaces histidine 187 with glutamine.
Molecular consequence: missense variant.
Genome position (GRCh38, 1-based): chr17:58,696,849, C>A. VCF-style: chr17-58696849-C-A. GRCh37 (hg19) VCF-style: chr17-56774210-C-A.
Other names: c.561C>A (NM_058216.1); short protein forms H187Q.
Identifiers: ClinVar variation 841430 (VCV000841430.10), dbSNP rs2048033583, ClinGen allele CA400345465.